The following is an entry in ClinVar:

ClinVar aggregate classification (germline): Uncertain significance (1 of 4 stars; one submission).

Allele frequency attached by ClinVar (database versions not stated): ExAC 0.00001; gnomAD 0.00001; gnomAD exomes 0.00002; TOPMed 0.00003.
gnomAD v4.1: 36 of 1,612,006 alleles (0.0022%); highest among the groups gnomAD compares: East Asian, 0.0067%; no homozygotes.

Submission:

Labcorp Genetics (formerly Invitae), Labcorp
Classification: Uncertain significance. Last evaluated: 2022-07-30. Review status: criteria provided, single submitter. Criteria: Invitae Variant Classification Sherloc (09022015). Collection method: clinical testing. Allele origin: germline.
Comment: In summary, the available evidence is currently insufficient to determine the role of this variant in disease. Therefore, it has been classified as a Variant of Uncertain Significance. Algorithms developed to predict the effect of missense changes on protein structure and function (SIFT, PolyPhen-2, Align-GVGD) all suggest that this variant is likely to be tolerated. This variant has not been reported in the literature in individuals affected with SORL1-related conditions. This variant is present in population databases (rs778336021, gnomAD 0.01%). This sequence change replaces serine, which is neutral and polar, with leucine, which is neutral and non-polar, at codon 1541 of the SORL1 protein (p.Ser1541Leu).

NM_003105.6(SORL1):c.4622C>T (p.Ser1541Leu)

Gene: SORL1 (sortilin related receptor 1; plus strand). Cytogenetic location: 11q24.1.
Variant type: single nucleotide variant.
Coding change: c.4622C>T on transcript NM_003105.6 (MANE Select); coding-DNA position 4622, C replaced by T.
Protein change: p.Ser1541Leu; replaces serine 1541 with leucine.
Molecular consequence: missense variant.
Genome position (GRCh38, 1-based): chr11:121,604,295, C>T. VCF-style: chr11-121604295-C-T. GRCh37 (hg19) VCF-style: chr11-121475004-C-T.
Other names: short protein forms S1541L.
Identifiers: ClinVar variation 2183860 (VCV002183860.4), dbSNP rs778336021, ClinGen allele CA6329689.
Genomic context (GRCh38, chr11:121,604,295, plus strand): 5'-GCGAGGACGGGGAGGCCTGCATTGTGCTCTCGGAGCGCTGCGACGGCTTCCTGGACTGCT[C>T]GGACGAGAGCGATGAAAAGGCCTGCAGTGGTGAGTGCCGGTCCACGGGCTGGGCTGGGCT-3'
Protein context (NP_003096.2, residues 1531-1551): SERCDGFLDC[Ser1541Leu]DESDEKACSD